The following is an entry in ClinVar:

NM_003873.7(NRP1):c.602C>T (p.Pro201Leu)

Gene: NRP1 (neuropilin 1; minus strand). Cytogenetic location: 10p11.22.
Variant type: single nucleotide variant.
Coding change: c.602C>T on transcript NM_003873.7 (MANE Select); coding-DNA position 602, C replaced by T.
Protein change: p.Pro201Leu; replaces proline 201 with leucine.
Molecular consequence: missense variant. On other transcripts: non-coding transcript variant (1).
Genome position (GRCh38, 1-based): chr10:33,263,702, G>A on the plus strand (C>T on the coding strand, the complement: NRP1 is on the minus strand). VCF-style: chr10-33263702-G-A. GRCh37 (hg19) VCF-style: chr10-33552630-G-A.
Other names: c.602C>T, p.Pro201Leu (NM_001024628.3, NM_001024629.3, NM_001244972.2 and 2 more transcripts); short protein forms P201L.
Identifiers: ClinVar variation 2636506 (VCV002636506.1), dbSNP rs200265591, ClinGen allele CA5466925.
Genomic context (GRCh38, chr10:33,263,702, plus strand): 5'-TTACCATCAGGGAATCCATCCCAGATTTCTAGCCGGTCGTAGCGACAGAACATCCCCCCT[G>A]GAGGATTTGAGTCAGGCTCCAGGTCAAAGCTTTCAAATTCCAGGATAATCTCTGACATCT-3'
Protein context (NP_003864.5, residues 191-211): SFDLEPDSNP[Pro201Leu]GGMFCRYDRL

ClinVar aggregate classification (germline): Uncertain significance (1 of 4 stars; one submission).

Conditions:
NRP1-related disorder. Also called: NRP1-related condition.

Allele frequency attached by ClinVar (database versions not stated): gnomAD exomes below 0.00001; gnomAD 0.00001; TOPMed 0.00001; ExAC 0.00002; 1000 Genomes Project 30x 0.00031; 1000 Genomes Project 0.00040.

Submission:

PreventionGenetics, part of Exact Sciences
Classification: Uncertain significance for NRP1-related condition. Last evaluated: 2023-09-18. Review status: criteria provided, single submitter. Criteria: ACMG Guidelines, 2015. Collection method: clinical testing. Allele origin: germline.
Comment: The NRP1 c.602C>T variant is predicted to result in the amino acid substitution p.Pro201Leu. To our knowledge, this variant has not been reported in the literature. This variant is reported in 0.012% of alleles in individuals of African descent in gnomAD. At this time, the clinical significance of this variant is uncertain due to the absence of conclusive functional and genetic evidence.